The following is an entry in ClinVar:

ClinVar aggregate classification (germline): Uncertain significance (1 of 4 stars; one submission).

Conditions:
Charcot-Marie-Tooth disease axonal type 2Z. Also called: CHARCOT-MARIE-TOOTH DISEASE, AXONAL, AUTOSOMAL DOMINANT, TYPE 2Z; CHARCOT-MARIE-TOOTH NEUROPATHY, TYPE 2Z. Identifiers: Orphanet 466768, MedGen C5569025, MONDO:0014736, OMIM 616688.

Allele frequency attached by ClinVar (database versions not stated): gnomAD exomes below 0.00001 and 0.00001.

Submission:

Labcorp Genetics (formerly Invitae), Labcorp
Classification: Uncertain significance for Charcot-Marie-Tooth disease axonal type 2Z. Last evaluated: 2022-06-13. Review status: criteria provided, single submitter. Criteria: Invitae Variant Classification Sherloc (09022015). Collection method: clinical testing. Allele origin: germline.
Comment: This sequence change replaces arginine, which is basic and polar, with glutamine, which is neutral and polar, at codon 614 of the MORC2 protein (p.Arg614Gln). In summary, the available evidence is currently insufficient to determine the role of this variant in disease. Therefore, it has been classified as a Variant of Uncertain Significance. Advanced modeling of protein sequence and biophysical properties (such as structural, functional, and spatial information, amino acid conservation, physicochemical variation, residue mobility, and thermodynamic stability) performed at Invitae indicates that this missense variant is expected to disrupt MORC2 protein function. This variant has not been reported in the literature in individuals affected with MORC2-related conditions. This variant is present in population databases (no rsID available, gnomAD 0.002%).

NM_001303256.3(MORC2):c.1841G>A (p.Arg614Gln)

Gene: MORC2 (MORC family CW-type zinc finger 2; minus strand). Cytogenetic location: 22q12.2.
Variant type: single nucleotide variant.
Coding change: c.1841G>A on transcript NM_001303256.3 (MANE Select); coding-DNA position 1841, G replaced by A.
Protein change: p.Arg614Gln; replaces arginine 614 with glutamine.
Molecular consequence: missense variant.
Genome position (GRCh38, 1-based): chr22:30,935,133, C>T on the plus strand (G>A on the coding strand, the complement: MORC2 is on the minus strand). VCF-style: chr22-30935133-C-T. GRCh37 (hg19) VCF-style: chr22-31331120-C-T.
Other names: c.1841G>A, p.Arg614Gln (NM_001303257.2); c.1655G>A, p.Arg552Gln (NM_014941.3); short protein forms R614Q, R552Q.
Identifiers: ClinVar variation 1411587 (VCV001411587.8), dbSNP rs1399556111, ClinGen allele CA411235866.